The following is an entry in ClinVar:

NM_198525.3(KIF7):c.1711G>A (p.Ala571Thr)

Gene: KIF7 (kinesin family member 7; minus strand). Cytogenetic location: 15q26.1.
Variant type: single nucleotide variant.
Coding change: c.1711G>A on transcript NM_198525.3 (MANE Select); coding-DNA position 1711, G replaced by A.
Protein change: p.Ala571Thr; replaces alanine 571 with threonine.
Molecular consequence: missense variant.
Genome position (GRCh38, 1-based): chr15:89,646,907, C>T on the plus strand (G>A on the coding strand, the complement: KIF7 is on the minus strand). VCF-style: chr15-89646907-C-T. GRCh37 (hg19) VCF-style: chr15-90190138-C-T.
Other names: short protein forms A571T.
Identifiers: ClinVar variation 1499922 (VCV001499922.9), dbSNP rs140185951, ClinGen allele CA7728478.
Genomic context (GRCh38, chr15:89,646,907, plus strand): 5'-AGCCAACTTCATCTCCAGGGAGGCAGGCAGGCGGCACCATGCCCAGCACATGGGCGTGGG[C>T]ACCCCCCAGGGGGGCTGTATGAGGTCGAGGCACAAAGGACCCGGGAGGCAGGCCATTCAG-3'
Protein context (NP_940927.2, residues 561-581): PRPHTAPLGG[Ala571Thr]HAHVLGMVPP

ClinVar aggregate classification (germline): Uncertain significance. Review status: criteria provided, multiple submitters, no conflicts (2 of 4 stars). 2 submissions from 2 submitters: Uncertain significance (2). Last evaluated 2024-04-15.

Conditions:
Acrocallosal syndrome (ACLS). Also called: HALLUX DUPLICATION, POSTAXIAL POLYDACTYLY, AND ABSENCE OF CORPUS CALLOSUM; Schinzel syndrome 1; Absence of corpus callosum with unusual facial appearance, mental deficiency, duplication of the halluces and polydactyly. Identifiers: Orphanet 36, MedGen C0796147, MONDO:0008708, OMIM 200990.
Multiple epiphyseal dysplasia, Al-Gazali type. Also called: Macrocephaly with multiple epiphyseal dysplasia and distinctive facies. Identifiers: Orphanet 166024, MedGen C1846722, MONDO:0011778, OMIM 607131.
Hydrolethalus syndrome 2 (HLS2). Identifiers: Orphanet 2189, MedGen C3279899, MONDO:0013585, OMIM 614120.

Allele frequency attached by ClinVar (database versions not stated): gnomAD exomes below 0.00001 and 0.00002; ExAC 0.00001; gnomAD 0.00001; TOPMed 0.00002; ESP Exome Variant Server 0.00015.
gnomAD v4.1: 24 of 1,613,984 alleles (0.0015%); highest among the groups gnomAD compares: Non-Finnish European, 0.0019%; no homozygotes.

Submissions (2):

Fulgent Genetics
Classification: Uncertain significance for Acrocallosal syndrome; Multiple epiphyseal dysplasia, Al-Gazali type; Hydrolethalus syndrome 2. Last evaluated: 2024-04-15. Review status: criteria provided, single submitter. Criteria: ACMG Guidelines, 2015. Collection method: clinical testing. Allele origin: germline.

Labcorp Genetics (formerly Invitae), Labcorp
Classification: Uncertain significance for Acrocallosal syndrome. Last evaluated: 2021-02-03. Review status: criteria provided, single submitter. Criteria: Invitae Variant Classification Sherloc (09022015). Collection method: clinical testing. Allele origin: germline.
Comment: This variant has not been reported in the literature in individuals with KIF7-related conditions. This variant is present in population databases (rs140185951, ExAC 0.01%). This sequence change replaces alanine with threonine at codon 571 of the KIF7 protein (p.Ala571Thr). The alanine residue is moderately conserved and there is a small physicochemical difference between alanine and threonine. In summary, the available evidence is currently insufficient to determine the role of this variant in disease. Therefore, it has been classified as a Variant of Uncertain Significance. Algorithms developed to predict the effect of missense changes on protein structure and function output the following: SIFT: "Tolerated"; PolyPhen-2: "Benign"; Align-GVGD: "Class C0". The threonine amino acid residue is found in multiple mammalian species, suggesting that this missense change does not adversely affect protein function. These predictions have not been confirmed by published functional studies and their clinical significance is uncertain.